The following is an entry in ClinVar:

ClinVar aggregate classification (germline): Conflicting classifications of pathogenicity. Review status: criteria provided, conflicting classifications (1 of 4 stars). 6 submissions from 6 submitters: Uncertain significance (3); Likely benign (3). Last evaluated 2026-02-01.

Conditions:
Inborn genetic diseases. Identifiers: MedGen C0950123, MeSH D030342.
Joubert syndrome 20 (JBTS20). Identifiers: Orphanet 475, MedGen C3554235, MONDO:0013994, OMIM 614970.
Meckel syndrome, type 11 (MKS11). Identifiers: Orphanet 564, MedGen C3809352, MONDO:0014164, OMIM 615397.

Allele frequency attached by ClinVar (database versions not stated): 1000 Genomes Project 30x 0.00016; gnomAD 0.00017; 1000 Genomes Project 0.00020; TOPMed 0.00020; gnomAD exomes 0.00021 and 0.00023; ExAC 0.00027.
gnomAD v4.1: 334 of 1,613,834 alleles (0.021%); highest among the groups gnomAD compares: Non-Finnish European, 0.023%; 1 homozygote.

Submissions (6):

Labcorp Genetics (formerly Invitae), Labcorp
Classification: Uncertain significance for Joubert syndrome 20; Meckel syndrome, type 11. Last evaluated: 2026-02-01. Review status: criteria provided, single submitter. Criteria: Invitae Variant Classification Sherloc (09022015). Collection method: clinical testing. Allele origin: germline.
Comment: This sequence change replaces isoleucine, which is neutral and non-polar, with threonine, which is neutral and polar, at codon 248 of the TMEM231 protein (p.Ile248Thr). This variant is present in population databases (rs201412708, gnomAD 0.05%), including at least one homozygous and/or hemizygous individual. This variant has not been reported in the literature in individuals affected with TMEM231-related conditions. ClinVar contains an entry for this variant (Variation ID: 1328803). Experimental studies and prediction algorithms are not available or were not evaluated, and the functional significance of this variant is currently unknown. In summary, the available evidence is currently insufficient to determine the role of this variant in disease. Therefore, it has been classified as a Variant of Uncertain Significance.

Blueprint Genetics
Classification: Likely benign. Last evaluated: 2024-11-01. Review status: criteria provided, single submitter. Criteria: ACMG Guidelines, 2015. Collection method: clinical testing. Allele origin: germline.

Ambry Genetics
Classification: Uncertain significance for Inborn genetic diseases. Last evaluated: 2024-07-10. Review status: criteria provided, single submitter. Criteria: Ambry Variant Classification Scheme 2023. Collection method: clinical testing. Allele origin: germline.

Fulgent Genetics
Classification: Likely benign for Joubert syndrome 20; Meckel syndrome, type 11. Last evaluated: 2024-05-23. Review status: criteria provided, single submitter. Criteria: ACMG Guidelines, 2015. Collection method: clinical testing. Allele origin: germline.

GeneDx
Classification: Likely benign. Last evaluated: 2021-12-20. Review status: criteria provided, single submitter. Criteria: GeneDx Variant Classification Process June 2021. Collection method: clinical testing. Allele origin: germline. Affected: yes.

Department of Pathology and Laboratory Medicine, Sinai Health System
Classification: Uncertain significance for Joubert syndrome 20; Meckel syndrome, type 11. Last evaluated: 2020-08-31. Review status: criteria provided, single submitter. Criteria: ACMG Guidelines, 2015. Collection method: research. Allele origin: germline.

NM_001077418.3(TMEM231):c.584T>C (p.Ile195Thr)

Gene: TMEM231 (transmembrane protein 231; minus strand). Cytogenetic location: 16q23.1.
Variant type: single nucleotide variant.
Coding change: c.584T>C on transcript NM_001077418.3 (MANE Select); coding-DNA position 584, T replaced by C.
Protein change: p.Ile195Thr; replaces isoleucine 195 with threonine.
Molecular consequence: missense variant. On other transcripts: non-coding transcript variant (1).
Genome position (GRCh38, 1-based): chr16:75,542,682, A>G on the plus strand (T>C on the coding strand, the complement: TMEM231 is on the minus strand). VCF-style: chr16-75542682-A-G. GRCh37 (hg19) VCF-style: chr16-75576580-A-G.
Other names: c.743T>C, p.Ile248Thr (NM_001077416.2); c.671T>C (NM_001077416.1); short protein forms I195T, I248T.
Identifiers: ClinVar variation 1328803 (VCV001328803.11), dbSNP rs201412708, ClinGen allele CA8176120.